The following is an entry in ClinVar:

ClinVar aggregate classification (germline): Uncertain significance (1 of 4 stars; one submission).

Allele frequency attached by ClinVar (database versions not stated): gnomAD exomes below 0.00001.
gnomAD v4.1: 2 of 1,612,424 alleles (0.00012%); highest among the groups gnomAD compares: South Asian, 0.0011%; no homozygotes.

Submission:

Ambry Genetics
Classification: Uncertain significance. Last evaluated: 2024-04-17. Review status: criteria provided, single submitter. Criteria: Ambry Variant Classification Scheme 2023. Collection method: clinical testing. Allele origin: germline.
Comment: The p.A912D variant (also known as c.2735C>A), located in coding exon 4 of the ALPK2 gene, results from a C to A substitution at nucleotide position 2735. The alanine at codon 912 is replaced by aspartic acid, an amino acid with dissimilar properties. This amino acid position is conserved. In addition, the in silico prediction for this alteration is inconclusive. Since supporting evidence is limited at this time, the clinical significance of this alteration remains unclear.

NM_052947.4(ALPK2):c.2735C>A (p.Ala912Asp)

Gene: ALPK2 (alpha kinase 2; minus strand). Cytogenetic location: 18q21.31.
Variant type: single nucleotide variant.
Coding change: c.2735C>A on transcript NM_052947.4 (MANE Select); coding-DNA position 2735, C replaced by A.
Protein change: p.Ala912Asp; replaces alanine 912 with aspartic acid.
Molecular consequence: missense variant.
Genome position (GRCh38, 1-based): chr18:58,537,452, G>T on the plus strand (C>A on the coding strand, the complement: ALPK2 is on the minus strand). VCF-style: chr18-58537452-G-T. GRCh37 (hg19) VCF-style: chr18-56204684-G-T.
Other names: short protein forms A912D.
Identifiers: ClinVar variation 1795324 (VCV001795324.3), dbSNP rs2518877313, ClinGen allele CA402569895.